The following is an entry in ClinVar:

ClinVar aggregate classification (germline): Uncertain significance. Review status: criteria provided, multiple submitters, no conflicts (2 of 4 stars). 2 submissions from 2 submitters: Uncertain significance (2). Last evaluated 2022-04-19.

Conditions:
Hereditary cancer-predisposing syndrome. Also called: Hereditary neoplastic syndrome; Neoplastic Syndromes, Hereditary; Tumor predisposition; Hereditary Cancer Syndrome. Identifiers: Orphanet 140162, MedGen C0027672, MeSH D009386, MONDO:0015356.
Familial cancer of breast. Also called: hereditary breast carcinoma; Hereditary breast cancer; BREAST CANCER, FAMILIAL. Identifiers: Orphanet 227535, MedGen C0346153, MONDO:0016419, OMIM 114480. Disease mechanism: loss of function.

Allele frequency attached by ClinVar (database versions not stated): ExAC 0.00001.
gnomAD v4.1: 2 of 1,614,212 alleles (0.00012%); highest among the groups gnomAD compares: Non-Finnish European, 0.00017%; no homozygotes.

Submissions (2):

Ambry Genetics
Classification: Uncertain significance for Hereditary cancer-predisposing syndrome. Last evaluated: 2022-04-19. Review status: criteria provided, single submitter. Criteria: Ambry Variant Classification Scheme 2023. Collection method: clinical testing. Allele origin: germline.
Comment: The p.E457G variant (also known as c.1370A>G), located in coding exon 4 of the PALB2 gene, results from an A to G substitution at nucleotide position 1370. The glutamic acid at codon 457 is replaced by glycine, an amino acid with similar properties. This amino acid position is not well conserved in available vertebrate species. In addition, this alteration is predicted to be tolerated by in silico analysis. Since supporting evidence is limited at this time, the clinical significance of this alteration remains unclear.

Labcorp Genetics (formerly Invitae), Labcorp
Classification: Uncertain significance for Familial cancer of breast. Last evaluated: 2020-11-23. Review status: criteria provided, single submitter. Criteria: Invitae Variant Classification Sherloc (09022015). Collection method: clinical testing. Allele origin: germline.
Comment: This sequence change replaces glutamic acid with glycine at codon 457 of the PALB2 protein (p.Glu457Gly). The glutamic acid residue is highly conserved and there is a moderate physicochemical difference between glutamic acid and glycine. This variant is present in population databases (rs774298150, ExAC 0.002%). This variant has not been reported in the literature in individuals with PALB2-related conditions. Algorithms developed to predict the effect of missense changes on protein structure and function are either unavailable or do not agree on the potential impact of this missense change (SIFT: "Deleterious"; PolyPhen-2: "Possibly Damaging"; Align-GVGD: "Class C0"). In summary, the available evidence is currently insufficient to determine the role of this variant in disease. Therefore, it has been classified as a Variant of Uncertain Significance.

NM_024675.4(PALB2):c.1370A>G (p.Glu457Gly)

Gene: PALB2 (partner and localizer of BRCA2; minus strand). Cytogenetic location: 16p12.2.
Variant type: single nucleotide variant.
Coding change: c.1370A>G on transcript NM_024675.4 (MANE Select); coding-DNA position 1370, A replaced by G.
Protein change: p.Glu457Gly; replaces glutamic acid 457 with glycine.
Molecular consequence: missense variant.
Genome position (GRCh38, 1-based): chr16:23,635,176, T>C on the plus strand (A>G on the coding strand, the complement: PALB2 is on the minus strand). VCF-style: chr16-23635176-T-C. GRCh37 (hg19) VCF-style: chr16-23646497-T-C.
Other names: short protein forms E457G.
Identifiers: ClinVar variation 1507414 (VCV001507414.11), dbSNP rs774298150, ClinGen allele CA7963713.